The following continues an entry in ClinVar:

NM_000053.4(ATP7B):c.1877G>C (p.Gly626Ala)

Gene: ATP7B. ClinVar aggregate classification (germline): Pathogenic/Likely pathogenic. Pathogenic (6); Likely pathogenic (13).

Submissions 12 to 21 of 21:

All of Us Research Program, National Institutes of Health
Classification: Likely pathogenic for Wilson disease. Last evaluated: 2024-08-06. Review status: criteria provided, single submitter. Criteria: ACMG Guidelines, 2015. Collection method: clinical testing. Allele origin: germline. Inheritance: Autosomal recessive inheritance. Observed: 31 variant alleles, 31 heterozygotes.
Comment: This missense variant replaces glycine with alanine at codon 626 of the ATP7B protein. Computational prediction suggests that this variant may have deleterious impact on protein structure and function (internally defined REVEL score threshold >= 0.7, PMID: 27666373). Functional studies have shown conflicting results on the impact of this variant on protein function (PMID: 18203200, 22240481, 24706876). One study showed this variant partially disrupted copper transport but maintained normal phosphorylation activity (PMID: 22240481), while two other studies showed normal copper transport and localization (PMID: 18203200, 24706876). This variant has been reported in many individuals affected with Wilson disease (PMID: 8533760, 8938442, 9311736, 10544227, 16207219, 18371106, 22677543, 22735241, 23518715, 24706876, 26799313, 33640437, 34400371, 36096368). In a number of these individuals, this variant has been determined to be in the compound heterozygous state with another pathogenic variant (PMID: 23518715, 24706876, 26799313, 33640437). These data indicate that this variant contributes to Wilson disease in an autosomal recessive manner. This variant has been identified in 24/280910 chromosomes in the general population by the Genome Aggregation Database (gnomAD). Based on the available evidence, this variant is classified as Likely Pathogenic.

This study involves interpretation of variants in research participants for the purpose of population health screening. Participant phenotype was not available at the time of variant classification. Additional details can be found in publication PMID: 35346344, PMCID: PMC8962531

Baylor Genetics
Classification: Pathogenic for Wilson disease. Last evaluated: 2024-03-29. Review status: criteria provided, single submitter. Criteria: ACMG Guidelines, 2015. Collection method: clinical testing. Allele origin: unknown.

Laboratory of Medical Genetics, National & Kapodistrian University of Athens
Classification: Likely pathogenic for Wilson disease. Last evaluated: 2024-02-01. Review status: criteria provided, single submitter. Criteria: ACMG Guidelines, 2015. Collection method: curation. Allele origin: germline. Affected: no.

Institute of Genomics, University of Tartu
Classification: Likely pathogenic for Wilson disease. Last evaluated: 2023-04-04. Review status: criteria provided, single submitter. Criteria: ACMG Guidelines, 2015. Collection method: research. Allele origin: germline. Affected: yes. Observed: 3 variant alleles, 2 compound heterozygotes, 1 homozygote. Clinical features observed: Decreased circulating ceruloplasmin concentration (HP:0010837), Decreased circulating copper concentration (HP:0011967), Abnormal liver enzyme activity or concentration (HP:0034685), Action tremor (HP:0002345), Postural tremor (HP:0002174), Sensory ataxia (HP:0010871), Ataxia (HP:0001251), Rigidity (HP:0002063), Bradykinesia (HP:0002067), nucleus lentiformis hyperechogenicity in transcranial sonography.
Comment: This ATP7B c.1877G>C; p.Gly626Ala (rs587783299) variant was identified in the 2020-2023 Wilson's disease genotype-first recall study at the Estonian Biobank. We classified this variant as likely pathogenic according to Richards et al. 2015 ACMG guidelines. Evidence: PM1 (located in the copper ion-binding heavy metal-associated domain (IPR006122)), PM2 (MAF 0.000065 in GnomAD v4.0.0), PM3 (found in trans with another pathogenic variant (p.Met769fs) in our recall study), PP3 (CADD 25.6, Revel 0.89, MutationTester D), PP4 (PMID: 10544227, 23518715; see clinical features), PP5 (SCV000832093.5)

Ambry Genetics
Classification: Pathogenic for Inborn genetic diseases. Last evaluated: 2023-02-28. Review status: criteria provided, single submitter. Criteria: Ambry Variant Classification Scheme 2023. Collection method: clinical testing. Allele origin: germline.
Comment: The c.1877G>C (p.G626A) alteration is located in exon 6 (coding exon 6) of the ATP7B gene. This alteration results from a G to C substitution at nucleotide position 1877, causing the glycine (G) at amino acid position 626 to be replaced by an alanine (A). Based on data from gnomAD, the C allele has an overall frequency of 0.009% (24/280910) total alleles studied. The highest observed frequency was 0.097% (10/10362) of Ashkenazi Jewish alleles. This alteration was detected in conjunction with another alteration in ATP7B in multiple individuals with Wilson disease (Collins, 2021; Ljubic, 2016; Coffey, 2013). This amino acid position is highly conserved in available vertebrate species. Multiple functional assays show no significant alterations to copper transport activity in vitro (Hsi, 2008; Huster, 2012; Braiterman, 2014). This alteration is predicted to be deleterious by in silico analysis. Based on the available evidence, this alteration is classified as pathogenic.

Genetic Services Laboratory, University of Chicago
Classification: Likely pathogenic. Last evaluated: 2021-10-17. Review status: criteria provided, single submitter. Criteria: ACMG Guidelines, 2015. Collection method: clinical testing. Allele origin: germline. Affected: yes.
Comment: The sequence change, c.1877G>C, is located in exon 6 and results in an amino acid change, p.Gly626Ala. The p.Gly626Ala change affects a highly conserved amino acid residue located in a transmembrane domain of the ATP7B protein. The p.Gly626Ala substitution appears to be deleterious using several in-silico pathogenicity prediction tools (SIFT, PolyPhen2, Align GVGD, REVEL). This sequence change has previously been described in individuals with Wilson disease together with a pathogenic variant (PMIDs: 8533760, 22735241, 8938442, 24706876). Multiple functional studies have shown conflicting results (PMID: 18203200, 22240481, 24706876). This sequence change has been described in the gnomAD database with a frequency of 0.011% in the non-Finnish European subpopulation (dbSNP rs587783299). These collective evidences indicate that this sequence change is likely pathogenic.

Genome-Nilou Lab
Classification: Likely pathogenic for Wilson disease. Last evaluated: 2021-08-10. Review status: criteria provided, single submitter. Criteria: ACMG Guidelines, 2015. Collection method: clinical testing. Allele origin: germline. Affected: no.

Fulgent Genetics
Classification: Likely pathogenic for Wilson disease. Last evaluated: 2021-06-30. Review status: criteria provided, single submitter. Criteria: ACMG Guidelines, 2015. Collection method: clinical testing. Allele origin: unknown.
Comment: This variant has been detected in individual(s) who were sent for testing of Renasight - kidney gene panel.

PreventionGenetics, part of Exact Sciences
Classification: Pathogenic for ATP7B-related condition. Last evaluated: 2024-07-22. Review status: no assertion criteria provided. Collection method: clinical testing. Allele origin: germline. Not counted in ClinVar's aggregate classification.
Comment: The ATP7B c.1877G>C variant is predicted to result in the amino acid substitution p.Gly626Ala. This variant has been repeatedly documented to be causative for Wilson Disease (Figus et al. 1995. PubMed ID: 8533760; Loudianos et al. 1999. PubMed ID: 10544227; Shah et al. 1997. PubMed ID: 9311736). This variant is reported in 0.097% of alleles in individuals of Ashkenazi Jewish descent in gnomAD. This variant is interpreted as pathogenic.

Counsyl
Classification: Likely pathogenic for Wilson's disease. Last evaluated: 2014-05-15. Review status: no assertion criteria provided. Collection method: literature only. Allele origin: unknown. Inheritance: Autosomal recessive inheritance. Not counted in ClinVar's aggregate classification.

Literature cited by the submitters: PubMed 8533760 (cited by 5 submitters); PubMed 10544227 (cited by 5 submitters); PubMed 17919502 (cited by 4 submitters); PubMed 23518715 (cited by 7 submitters); PubMed 22677543 (cited by 4 submitters); PubMed 24706876 (cited by 8 submitters); PubMed 22240481 (cited by 7 submitters); PubMed 18203200 (cited by 7 submitters); PubMed 26799313 (cited by 6 submitters); PubMed 16207219 (cited by 6 submitters); PubMed 33640437 (cited by 4 submitters); PubMed 34400371 (cited by 4 submitters); PubMed 8938442 (cited by 4 submitters); PubMed 9311736 (cited by 5 submitters); PubMed 18371106 (cited by 5 submitters); PubMed 22735241 (cited by 3 submitters); PubMed 36096368 (cited by 3 submitters); PubMed 29063292 (cited by Mayo Clinic Laboratories, Mayo Clinic); PubMed 31598802 (cited by Mayo Clinic Laboratories, Mayo Clinic); PubMed 39113473 (cited by Mayo Clinic Laboratories, Mayo Clinic); PubMed 39502306 (cited by Mayo Clinic Laboratories, Mayo Clinic).